The following is an entry in ClinVar:

NM_018263.6(ASXL2):c.1640A>G (p.Gln547Arg)

Gene: ASXL2 (ASXL transcriptional regulator 2; minus strand). Cytogenetic location: 2p23.3.
Variant type: single nucleotide variant.
Coding change: c.1640A>G on transcript NM_018263.6 (MANE Select); coding-DNA position 1640, A replaced by G.
Protein change: p.Gln547Arg; replaces glutamine 547 with arginine.
Molecular consequence: missense variant.
Genome position (GRCh38, 1-based): chr2:25,749,916, T>C on the plus strand (A>G on the coding strand, the complement: ASXL2 is on the minus strand). VCF-style: chr2-25749916-T-C. GRCh37 (hg19) VCF-style: chr2-25972785-T-C.
Other names: c.1466A>G, p.Gln489Arg (NM_001369346.1); c.860A>G, p.Gln287Arg (NM_001369347.1); short protein forms Q547R, Q287R, Q489R.
Identifiers: ClinVar variation 770691 (VCV000770691.36), dbSNP rs200858310, ClinGen allele CA1557782.
Genomic context (GRCh38, chr2:25,749,916, plus strand): 5'-TTGAGGCTTTCTGGGCTCTGATCAACAAGAGTTGCTAGAGGTTCTTTCATATTAGTCTCC[T>C]GTGGACCCGCTCCTGCTGTGGGCTTCACTATTGGTTTTTCAACCCCAGGACTCTTGGGTT-3'
Protein context (NP_060733.4, residues 537-557): IVKPTAGAGP[Gln547Arg]ETNMKEPLAT

ClinVar aggregate classification (germline): Benign/Likely benign. Review status: criteria provided, multiple submitters, no conflicts (2 of 4 stars). 4 submissions from 4 submitters: Benign (1); Likely benign (3). Last evaluated 2025-11-19.

Allele frequency attached by ClinVar (database versions not stated): 1000 Genomes Project 0.00020; 1000 Genomes Project 30x 0.00031; ExAC 0.00146; gnomAD exomes 0.00149; TOPMed 0.00170; gnomAD 0.00176 and 0.00185; ESP Exome Variant Server 0.00185.
gnomAD v4.1: 4,346 of 1,613,870 alleles (0.27%); highest among the groups gnomAD compares: Non-Finnish European, 0.35%; 7 homozygotes.

Submissions (4):

Labcorp Genetics (formerly Invitae), Labcorp
Classification: Likely benign. Last evaluated: 2025-11-19. Review status: criteria provided, single submitter. Criteria: Invitae Variant Classification Sherloc (09022015). Collection method: clinical testing. Allele origin: germline.

Blueprint Genetics
Classification: Likely benign. Last evaluated: 2024-10-29. Review status: criteria provided, single submitter. Criteria: ACMG Guidelines, 2015. Collection method: clinical testing. Allele origin: germline.

CeGaT Center for Human Genetics Tuebingen
Classification: Benign. Last evaluated: 2024-08-01. Review status: criteria provided, single submitter. Criteria: CeGaT Center For Human Genetics Tuebingen Variant Classification Criteria Version 2. Collection method: clinical testing. Allele origin: germline. Affected: yes. Observed: 4 variant alleles.
Comment: ASXL2: BP4, BS1, BS2

Breakthrough Genomics
Classification: Likely benign. Review status: criteria provided, single submitter. Criteria: ACMG Guidelines, 2015. Collection method: not provided. Allele origin: germline. Inheritance: Autosomal dominant inheritance. Affected: yes.